The following is an entry in ClinVar:

NM_000098.3(CPT2):c.1813G>C (p.Val605Leu)

Gene: CPT2 (carnitine palmitoyltransferase 2; plus strand). Cytogenetic location: 1p32.3.
Variant type: single nucleotide variant.
Coding change: c.1813G>C on transcript NM_000098.3 (MANE Select); coding-DNA position 1813, G replaced by C.
Protein change: p.Val605Leu; replaces valine 605 with leucine.
Molecular consequence: missense variant.
Genome position (GRCh38, 1-based): chr1:53,213,431, G>C. VCF-style: chr1-53213431-G-C. GRCh37 (hg19) VCF-style: chr1-53679103-G-C.
Other names: c.1744G>C, p.Val582Leu (NM_001330589.2); short protein forms V605L, V582L.
Identifiers: ClinVar variation 850446 (VCV000850446.11), dbSNP rs751557097, ClinGen allele CA859286.

ClinVar aggregate classification (germline): Pathogenic/Likely pathogenic. Review status: criteria provided, multiple submitters, no conflicts (2 of 4 stars). 3 submissions from 3 submitters: Pathogenic (2); Likely pathogenic (1). Last evaluated 2025-09-28.

Conditions:
Carnitine palmitoyltransferase II deficiency. Also called: Carnitine Palmitoyltransferase 2 Deficiency. Identifiers: Orphanet 157, MedGen C0342790, MONDO:0015515.
Encephalopathy, acute, infection-induced, susceptibility to, 4. Identifiers: Orphanet 263524, MedGen C3280160, MONDO:0013633, OMIM 614212.

Allele frequency attached by ClinVar (database versions not stated): TOPMed below 0.00001; ExAC 0.00002; gnomAD exomes 0.00003.
gnomAD v4.1: 11 of 1,614,266 alleles (0.00068%); highest among the groups gnomAD compares: East Asian, 0.025%; no homozygotes.

Submissions (3):

Labcorp Genetics (formerly Invitae), Labcorp
Classification: Likely pathogenic for Carnitine palmitoyltransferase II deficiency. Last evaluated: 2025-09-28. Review status: criteria provided, single submitter. Criteria: Invitae Variant Classification Sherloc (09022015). Collection method: clinical testing. Allele origin: germline.
Comment: This sequence change replaces valine, which is neutral and non-polar, with leucine, which is neutral and non-polar, at codon 605 of the CPT2 protein (p.Val605Leu). This variant is present in population databases (rs751557097, gnomAD 0.04%). This missense change has been observed in individual(s) with clinical features of carnitine palmitoyltransferase II deficiency (PMID: 18363739, 28649538). In at least one individual the data is consistent with being in trans (on the opposite chromosome) from a pathogenic variant. ClinVar contains an entry for this variant (Variation ID: 850446). Invitae Evidence Modeling of protein sequence and biophysical properties (such as structural, functional, and spatial information, amino acid conservation, physicochemical variation, residue mobility, and thermodynamic stability) indicates that this missense variant is not expected to disrupt CPT2 protein function with a negative predictive value of 80%. In summary, the currently available evidence indicates that the variant is pathogenic, but additional data are needed to prove that conclusively. Therefore, this variant has been classified as Likely Pathogenic.

Natera, Inc.
Classification: Pathogenic for Carnitine palmitoyltransferase II deficiency. Last evaluated: 2025-08-18. Review status: criteria provided, single submitter. Criteria: Natera Variant Classification Schema (03/2026). Collection method: clinical testing. Allele origin: germline.
Comment: The c.1813G>C variant in CPT2 is a missense variant predicted to cause substitution of valine to leucine at amino acid 605. This variant is rare in the general population with a frequency below the threshold expected for the associated phenotype(s). This variant has been observed in one or more individuals affected with the associated recessive disease, as either homozygous or compound heterozygous with a second variant (PMID: 18363739, 28649538, 28801073, 39429887). Computational prediction algorithms indicate this variant is likely to affect gene or protein function. Given the available evidence, this variant is classified as Pathogenic.

Baylor Genetics
Classification: Pathogenic for Encephalopathy, acute, infection-induced, susceptibility to, 4. Last evaluated: 2024-02-11. Review status: criteria provided, single submitter. Criteria: ACMG Guidelines, 2015. Collection method: clinical testing. Allele origin: unknown.

Literature cited by the submitters: PubMed 18363739 (cited by Labcorp Genetics (formerly Invitae), Labcorp and Natera, Inc.); PubMed 28649538 (cited by Labcorp Genetics (formerly Invitae), Labcorp and Natera, Inc.); PubMed 28801073 (cited by Natera, Inc.); PubMed 39429887 (cited by Natera, Inc.).